The following is an entry in ClinVar:

NM_000138.5(FBN1):c.6739+3G>A

Gene: FBN1 (fibrillin 1; minus strand). Cytogenetic location: 15q21.1.
Variant type: single nucleotide variant.
Coding change: c.6739+3G>A on transcript NM_000138.5 (MANE Select); 3 bases into the intron after coding-DNA position 6739, G replaced by A.
Molecular consequence: intron variant.
Genome position (GRCh38, 1-based): chr15:48,432,863, C>T on the plus strand (G>A on the coding strand, the complement: FBN1 is on the minus strand). VCF-style: chr15-48432863-C-T. GRCh37 (hg19) VCF-style: chr15-48725060-C-T.
Other names: c.6739+3G>A (NM_001406716.1).
Identifiers: ClinVar variation 2773325 (VCV002773325.6), dbSNP rs1263490954, ClinGen allele CA617834613.
Genomic context (GRCh38, chr15:48,432,863, plus strand): 5'-AGGGACATCTCCCCTCACAGATAAAGCTTCCTGGCTTAGATGACCTTGAACACGATGACT[C>T]ACCTTTGCACATCCTACGGTCTTCTCTGAGCACATATCCCACGGGACATTTGCATTCATA-3'

ClinVar aggregate classification (germline): Uncertain significance. Review status: criteria provided, multiple submitters, no conflicts (2 of 4 stars). 2 submissions from 2 submitters: Uncertain significance (2). Last evaluated 2025-09-04.

Conditions:
Marfan syndrome (MFS). Also called: FBN1-Related Marfan Syndrome; MARFAN SYNDROME, TYPE I; Marfan syndrome type 1; Marfan's syndrome; Marfan syndrome, classic. Identifiers: Orphanet 284963, Orphanet 558, MedGen C0024796, MONDO:0007947, OMIM 154700.
Familial thoracic aortic aneurysm and aortic dissection (TAAD). Also called: Thoracic aortic aneurysms and dissections. Identifiers: Orphanet 91387, MedGen C4707243, MONDO:0019625.

Allele frequency attached by ClinVar (database versions not stated): gnomAD exomes below 0.00001; gnomAD 0.00001; TOPMed 0.00001.
gnomAD v4.1: 2 of 1,613,488 alleles (0.00012%); highest among the groups gnomAD compares: African/African-American, 0.0027%; no homozygotes.

Submissions (2):

Color Diagnostics, LLC DBA Color Health
Classification: Uncertain significance for Familial thoracic aortic aneurysm and aortic dissection. Last evaluated: 2025-09-04. Review status: criteria provided, single submitter. Criteria: ACMG Guidelines, 2015. Collection method: clinical testing. Allele origin: germline.
Comment: This variant causes a G to A nucleotide substitution at the +3 position of intron 55 of the FBN1 gene. To our knowledge, functional studies have not been reported for this variant. This variant has not been reported in individuals affected with FBN1-related disorders in the literature. This variant has been identified in 2/282352 chromosomes in the general population by the Genome Aggregation Database (gnomAD). The available evidence is insufficient to determine the role of this variant in disease conclusively. Therefore, this variant is classified as a Variant of Uncertain Significance.

Labcorp Genetics (formerly Invitae), Labcorp
Classification: Uncertain significance for Marfan syndrome; Familial thoracic aortic aneurysm and aortic dissection. Last evaluated: 2023-07-14. Review status: criteria provided, single submitter. Criteria: Invitae Variant Classification Sherloc (09022015). Collection method: clinical testing. Allele origin: germline.
Comment: This sequence change falls in intron 55 of the FBN1 gene. It does not directly change the encoded amino acid sequence of the FBN1 protein. It affects a nucleotide within the consensus splice site. The frequency data for this variant in the population databases is considered unreliable, as metrics indicate poor data quality at this position in the gnomAD database. In summary, the available evidence is currently insufficient to determine the role of this variant in disease. Therefore, it has been classified as a Variant of Uncertain Significance. Variants that disrupt the consensus splice site are a relatively common cause of aberrant splicing (PMID: 17576681, 9536098). Algorithms developed to predict the effect of sequence changes on RNA splicing suggest that this variant is not likely to affect RNA splicing. This variant has not been reported in the literature in individuals affected with FBN1-related conditions.

Literature cited by the submitters: PubMed 17576681 (cited by Labcorp Genetics (formerly Invitae), Labcorp); PubMed 9536098 (cited by Labcorp Genetics (formerly Invitae), Labcorp).